The following is an entry in ClinVar:

ClinVar aggregate classification (germline): Uncertain significance (1 of 4 stars; one submission).

Conditions:
Inborn genetic diseases. Identifiers: MedGen C0950123, MeSH D030342.

Submission:

Ambry Genetics
Classification: Uncertain significance for Inborn genetic diseases. Last evaluated: 2022-03-15. Review status: criteria provided, single submitter. Criteria: Ambry Variant Classification Scheme 2023. Collection method: clinical testing. Allele origin: germline.
Comment: The c.5716+6T>A intronic alteration results from a T to A substitution 6 nucleotides after coding exon 40 in the HUWE1 gene. This nucleotide position is well conserved in available vertebrate species. In silico splice site analysis predicts that this alteration will not have any significant effect on splicing. Based on insufficient or conflicting evidence, the clinical significance of this alteration remains unclear.

NM_031407.7(HUWE1):c.5716+6T>A

Gene: HUWE1 (HECT, UBA and WWE domain containing E3 ubiquitin protein ligase 1; minus strand). Cytogenetic location: Xp11.22.
Variant type: single nucleotide variant.
Coding change: c.5716+6T>A on transcript NM_031407.7 (MANE Select); 6 bases into the intron after coding-DNA position 5716, T replaced by A.
Molecular consequence: intron variant.
Genome position (GRCh38, 1-based): chrX:53,580,825, A>T on the plus strand (T>A on the coding strand, the complement: HUWE1 is on the minus strand). VCF-style: chrX-53580825-A-T. GRCh37 (hg19) VCF-style: chrX-53607785-A-T.
Identifiers: ClinVar variation 2275642 (VCV002275642.3), dbSNP rs1569467495, ClinGen allele CA2580101222.